The following is an entry in ClinVar:

NM_001848.3(COL6A1):c.1043C>T (p.Ser348Leu)

Gene: COL6A1 (collagen type VI alpha 1 chain; plus strand). Cytogenetic location: 21q22.3.
Variant type: single nucleotide variant.
Coding change: c.1043C>T on transcript NM_001848.3 (MANE Select); coding-DNA position 1043, C replaced by T.
Protein change: p.Ser348Leu; replaces serine 348 with leucine.
Molecular consequence: missense variant.
Genome position (GRCh38, 1-based): chr21:45,990,813, C>T. VCF-style: chr21-45990813-C-T. GRCh37 (hg19) VCF-style: chr21-47410727-C-T.
Other names: short protein forms S348L.
Identifiers: ClinVar variation 284109 (VCV000284109.63), dbSNP rs142882745, ClinGen allele CA10070040.

ClinVar aggregate classification (germline): Conflicting classifications of pathogenicity. Review status: criteria provided, conflicting classifications (1 of 4 stars). 7 submissions from 7 submitters: Uncertain significance (5); Benign (1); Likely benign (1). Last evaluated 2026-03-01.

Conditions:
Collagen 6-related myopathy. Identifiers: MedGen CN117976, MONDO:0100225.
Bethlem myopathy 1A. Also called: Bethlem myopathy 1; MYOPATHY, BENIGN CONGENITAL, WITH CONTRACTURES; Bethlem Muscular Dystrophy. Identifiers: Orphanet 610, MedGen CN029274, MONDO:0024530, OMIM 158810.

Allele frequency attached by ClinVar (database versions not stated): 1000 Genomes Project 0.00020; 1000 Genomes Project 30x 0.00031; ExAC 0.00063; gnomAD exomes 0.00063 and 0.00105; gnomAD 0.00064 and 0.00065; TOPMed 0.00064; ESP Exome Variant Server 0.00100.

Submissions (7):

CeGaT Center for Human Genetics Tuebingen
Classification: Uncertain significance. Last evaluated: 2026-03-01. Review status: criteria provided, single submitter. Criteria: CeGaT Center For Human Genetics Tuebingen Variant Classification Criteria Version 2. Collection method: clinical testing. Allele origin: germline. Affected: yes. Observed: 5 variant alleles.

Labcorp Genetics (formerly Invitae), Labcorp
Classification: Likely benign for Bethlem myopathy 1A. Last evaluated: 2026-01-21. Review status: criteria provided, single submitter. Criteria: Invitae Variant Classification Sherloc (09022015). Collection method: clinical testing. Allele origin: germline.

Mayo Clinic Laboratories, Mayo Clinic
Classification: Uncertain significance. Last evaluated: 2025-08-04. Review status: criteria provided, single submitter. Criteria: ACMG Guidelines, 2015. Collection method: clinical testing. Allele origin: germline. Observed: 2 variant alleles.
Comment: BS1

GeneDx
Classification: Uncertain significance. Last evaluated: 2025-02-03. Review status: criteria provided, single submitter. Criteria: GeneDx Variant Classification Process June 2021. Collection method: clinical testing. Allele origin: germline. Affected: yes.
Comment: Previously reported as a variant of uncertain significance in multiple patients with clinically suspected-LGMD (PMID: 30564623); In silico analysis supports that this missense variant has a deleterious effect on protein structure/function; This variant is associated with the following publications: (PMID: 30564623)

Eurofins Ntd Llc (ga)
Classification: Uncertain significance. Last evaluated: 2018-06-08. Review status: criteria provided, single submitter. Criteria: EGL ClinVar v180209 classification definitions. Collection method: clinical testing. Allele origin: germline. Observed: 16 variant alleles, 16 heterozygotes.

Illumina Laboratory Services, Illumina
Classification: Benign for Collagen VI-related myopathy. Last evaluated: 2018-01-12. Review status: criteria provided, single submitter. Criteria: ICSL Variant Classification Criteria 13 December 2019. Collection method: clinical testing. Allele origin: germline.
Comment: This variant was observed in the ICSL laboratory as part of a predisposition screen in an ostensibly healthy population. It had not been previously curated by ICSL or reported in the Human Gene Mutation Database (HGMD: prior to June 1st, 2018), and was therefore a candidate for classification through an automated scoring system. Utilizing variant allele frequency, disease prevalence and penetrance estimates, and inheritance mode, an automated score was calculated to assess if this variant is too frequent to cause the disease. Based on the score and internal cut-off values, a variant classified as benign is not then subjected to further curation. The score for this variant resulted in a classification of benign for this disease.

Athena Diagnostics
Classification: Uncertain significance. Last evaluated: 2017-04-14. Review status: criteria provided, single submitter. Criteria: Athena Diagnostics Criteria. Collection method: clinical testing. Allele origin: germline.

Literature cited by the submitters: PubMed 30564623 (cited by Mayo Clinic Laboratories, Mayo Clinic).